The following is an entry in ClinVar:

NM_000352.6(ABCC8):c.4105G>T (p.Ala1369Ser)

Gene: ABCC8 (ATP binding cassette subfamily C member 8; minus strand). Cytogenetic location: 11p15.1.
Variant type: single nucleotide variant.
Coding change: c.4105G>T on transcript NM_000352.6 (MANE Select); coding-DNA position 4105, G replaced by T.
Protein change: p.Ala1369Ser; replaces alanine 1369 with serine.
Molecular consequence: missense variant. On other transcripts: non-coding transcript variant (1).
Genome position (GRCh38, 1-based): chr11:17,396,930, C>A on the plus strand (G>T on the coding strand, the complement: ABCC8 is on the minus strand). VCF-style: chr11-17396930-C-A. GRCh37 (hg19) VCF-style: chr11-17418477-C-A.
Other names: c.4108G>T, p.Ala1370Ser (NM_001287174.3); c.4171G>T, p.Ala1391Ser (NM_001351295.2); c.4105G>T, p.Ala1369Ser (NM_001351296.2); c.4102G>T, p.Ala1368Ser (NM_001351297.2); short protein forms A1369S, A1370S, A1368S, A1391S.
Identifiers: ClinVar variation 157699 (VCV000157699.31), dbSNP rs757110, ClinGen allele CA171077.
Genomic context (GRCh38, chr11:17,396,930, plus strand): 5'-CTGCTCACGCCTGTCCTGCAGCATTGGGTTGGGCCCGTGCTCTGACCTTCTGTCCAGGGG[C>A]GATGAGGGCATTGACGTGCTTCAGCACCGGCTTCAGGGAGCTGTCGTAGCGCACGCTCAG-3'
Protein context (NP_000343.2, residues 1359-1379): PVLKHVNALI[Ala1369Ser]PGQKIGICGR

ClinVar aggregate classification (germline): Benign. Review status: criteria provided, multiple submitters, no conflicts (2 of 4 stars). 15 submissions from 12 submitters: Benign (13). 2 of the submissions do not count toward it. Last evaluated 2026-02-04.

Conditions:
Diabetes mellitus, permanent neonatal 3. Also called: ABCC8-Related Permanent Neonatal Diabetes Mellitus. Identifiers: MedGen C5394303, MONDO:0030088, OMIM 618857.
Hereditary hyperinsulinism.
Diabetes mellitus, transient neonatal, 2 (TNDM2). Identifiers: Orphanet 99886, MedGen C1835887, MONDO:0012480, OMIM 610374. Disease mechanism: loss of function.
Leucine-induced hypoglycemia (LIH). Also called: LEUCINE-SENSITIVE HYPOGLYCEMIA OF INFANCY. Identifiers: MedGen C0271714, MONDO:0009415, OMIM 240800.
Hyperinsulinemic hypoglycemia, familial, 1 (HHF1). Also called: Persistent hyperinsulinemic hypoglycemia of infancy; HYPERINSULINISM, FAMILIAL, WITH PANCREATIC NESIDIOBLASTOSIS; HYPOGLYCEMIA, HYPERINSULINEMIC, OF INFANCY; NESIDIOBLASTOSIS OF PANCREAS; Persistent Hyperinsulinemia Hypoglycemia of Infancy. Identifiers: Orphanet 276575, Orphanet 276598, MedGen C2931832, MONDO:0009734, OMIM 256450.
Type 2 diabetes mellitus. Also called: Type II diabetes mellitus. Identifiers: MedGen C0011860, MeSH D003924, MONDO:0005148, OMIM 125853, HP:0005978.

Allele frequency attached by ClinVar (database versions not stated): gnomAD 0.71405 and 0.71935; 1000 Genomes Project 0.72644; TOPMed 0.72781; 1000 Genomes Project 30x 0.73079; ESP Exome Variant Server 0.73856.
gnomAD v4.1: 1,043,430 of 1,613,778 alleles (65%); highest among the groups gnomAD compares: African/African-American, 94%; 341,651 homozygotes.

Submissions (15):

Labcorp Genetics (formerly Invitae), Labcorp
Classification: Benign. Last evaluated: 2026-02-04. Review status: criteria provided, single submitter. Criteria: Invitae Variant Classification Sherloc (09022015). Collection method: clinical testing. Allele origin: germline.

Mayo Clinic Laboratories, Mayo Clinic
Classification: Benign. Last evaluated: 2025-04-14. Review status: criteria provided, single submitter. Criteria: ACMG Guidelines, 2015. Collection method: clinical testing. Allele origin: germline. Observed: 1 variant allele.
Comment: BA1

Blueprint Genetics
Classification: Benign. Last evaluated: 2024-11-27. Review status: criteria provided, single submitter. Criteria: ACMG Guidelines, 2015. Collection method: clinical testing. Allele origin: germline.

Pars Genome Lab
Classification: Benign for Leucine-induced hypoglycemia. Last evaluated: 2021-07-01. Review status: criteria provided, single submitter. Criteria: ACMG Guidelines, 2015. Collection method: clinical testing. Allele origin: germline. Affected: no.

Pars Genome Lab
Classification: Benign for Hyperinsulinemic hypoglycemia, familial, 1. Last evaluated: 2021-07-01. Review status: criteria provided, single submitter. Criteria: ACMG Guidelines, 2015. Collection method: clinical testing. Allele origin: germline. Affected: no.

Pars Genome Lab
Classification: Benign for Diabetes mellitus, transient neonatal, 2. Last evaluated: 2021-07-01. Review status: criteria provided, single submitter. Criteria: ACMG Guidelines, 2015. Collection method: clinical testing. Allele origin: germline. Affected: no.

Pars Genome Lab
Classification: Benign for Diabetes mellitus, permanent neonatal 3. Last evaluated: 2021-07-01. Review status: criteria provided, single submitter. Criteria: ACMG Guidelines, 2015. Collection method: clinical testing. Allele origin: germline. Affected: no.

GeneDx
Classification: Benign. Last evaluated: 2018-08-09. Review status: criteria provided, single submitter. Criteria: GeneDx Variant Classification Process June 2021. Collection method: clinical testing. Allele origin: germline. Affected: yes.
Comment: This variant is associated with the following publications: (PMID: 28411266, 25955821, 26551672, 27398621, 11117432, 22209866, 17823772, 25143473, 22187380, 19587354)

Athena Diagnostics
Classification: Benign. Last evaluated: 2017-04-12. Review status: criteria provided, single submitter. Criteria: Athena Diagnostics Criteria. Collection method: clinical testing. Allele origin: germline.

Eurofins Ntd Llc (ga)
Classification: Benign. Last evaluated: 2017-02-12. Review status: criteria provided, single submitter. Criteria: EGL Classification Definitions 2015. Collection method: clinical testing. Allele origin: germline. Observed: 3 variant alleles, 3 heterozygotes, 1 homozygote.

Breakthrough Genomics
Classification: Benign. Review status: criteria provided, single submitter. Criteria: ACMG Guidelines, 2015. Collection method: not provided. Allele origin: germline. Inheritance: Autosomal recessive inheritance. Affected: yes.

Clinical Genomics, Uppaluri K&H Personalized Medicine Clinic
Classification: Benign for Type 2 diabetes mellitus. Review status: criteria provided, single submitter. Criteria: K&H Uppaluri Personalized Medicine Clinic Variant Classification & Assertion Criteria. Collection method: research. Allele origin: somatic. Affected: yes.
Comment: Mutations in this gene are associated with both neonatal diabetes mellitus as well as MODY. Patients with this mutation have a better response to sulfonylureas. It doesn't cause any sensitivity toward mild hypoglycemia, an adverse effect of Sulfonylurea treatment.

PreventionGenetics, part of Exact Sciences
Classification: Benign. Review status: criteria provided, single submitter. Criteria: ACMG Guidelines, 2015. Collection method: clinical testing. Allele origin: germline.

Natera, Inc.
Classification: Benign for Hereditary hyperinsulinism. Last evaluated: 2020-09-16. Review status: no assertion criteria provided. Collection method: clinical testing. Allele origin: germline. Not counted in ClinVar's aggregate classification.

Genetic Services Laboratory, University of Chicago
Classification: Likely benign. Review status: no assertion criteria provided. Collection method: clinical testing. Allele origin: germline. Inheritance: Autosomal unknown. Not counted in ClinVar's aggregate classification.
Comment: Likely benign based on allele frequency in 1000 Genomes Project or ESP global frequency and its presence in a patient with a rare or unrelated disease phenotype. NOT Sanger confirmed

Literature cited by the submitters: PubMed 21142918 (cited by Mayo Clinic Laboratories, Mayo Clinic and Clinical Genomics, Uppaluri K&H Personalized Medicine Clinic); PubMed 34194474 (cited by Clinical Genomics, Uppaluri K&H Personalized Medicine Clinic); DOI 10.1016/j.genrep.2018.10.015 (cited by Clinical Genomics, Uppaluri K&H Personalized Medicine Clinic).